The following is an entry in ClinVar:

ClinVar aggregate classification (germline): Uncertain significance (1 of 4 stars; one submission).

Submission:

GeneDx
Classification: Uncertain significance. Last evaluated: 2024-09-20. Review status: criteria provided, single submitter. Criteria: GeneDx Variant Classification Process June 2021. Collection method: clinical testing. Allele origin: germline. Affected: yes.
Comment: Not observed at significant frequency in large population cohorts (gnomAD); In silico analysis supports that this missense variant has a deleterious effect on protein structure/function; Has not been previously published as pathogenic or benign to our knowledge

NM_003024.3(ITSN1):c.4096T>C (p.Cys1366Arg)

Gene: ITSN1 (intersectin 1; plus strand). Cytogenetic location: 21q22.11.
Variant type: single nucleotide variant.
Coding change: c.4096T>C on transcript NM_003024.3 (MANE Select); coding-DNA position 4096, T replaced by C.
Protein change: p.Cys1366Arg; replaces cysteine 1366 with arginine.
Molecular consequence: missense variant.
Genome position (GRCh38, 1-based): chr21:33,867,254, T>C. VCF-style: chr21-33867254-T-C. GRCh37 (hg19) VCF-style: chr21-35239558-T-C.
Other names: c.4081T>C, p.Cys1361Arg (NM_001331010.2); short protein forms C1361R, C1366R.
Identifiers: ClinVar variation 3774296 (VCV003774296.1).
Genomic context (GRCh38, chr21:33,867,254, plus strand): 5'-GCAAGTTTCTTAAGTACATTTAAAAACATCTCATTTCAGAGATTGGCAATGGATCCTCGG[T>C]GTAAAGGGATGCCACTCTCTAGTTTTATACTGAAGCCTATGCAACGGGTAACAAGATACC-3'
Protein context (NP_003015.2, residues 1356-1376): FVKRLAMDPR[Cys1366Arg]KGMPLSSFIL